The following is an entry in ClinVar:

NM_003482.4(KMT2D):c.14504C>A (p.Ala4835Asp)

Gene: KMT2D (lysine methyltransferase 2D; minus strand). Cytogenetic location: 12q13.12.
Variant type: single nucleotide variant.
Coding change: c.14504C>A on transcript NM_003482.4 (MANE Select); coding-DNA position 14504, C replaced by A.
Protein change: p.Ala4835Asp; replaces alanine 4835 with aspartic acid.
Molecular consequence: missense variant.
Genome position (GRCh38, 1-based): chr12:49,028,020, G>T on the plus strand (C>A on the coding strand, the complement: KMT2D is on the minus strand). VCF-style: chr12-49028020-G-T. GRCh37 (hg19) VCF-style: chr12-49421803-G-T.
Other names: short protein forms A4835D.
Identifiers: ClinVar variation 3635091 (VCV003635091.2).

ClinVar aggregate classification (germline): Uncertain significance (1 of 4 stars; one submission).

Conditions:
Kabuki syndrome. Also called: NIIKAWA-KUROKI SYNDROME; Kabuki make-up syndrome. Identifiers: Orphanet 2322, MedGen C0796004, MONDO:0016512.

Submission:

Labcorp Genetics (formerly Invitae), Labcorp
Classification: Uncertain significance for Kabuki syndrome. Last evaluated: 2024-11-06. Review status: criteria provided, single submitter. Criteria: Invitae Variant Classification Sherloc (09022015). Collection method: clinical testing. Allele origin: germline.
Comment: This sequence change replaces alanine, which is neutral and non-polar, with aspartic acid, which is acidic and polar, at codon 4835 of the KMT2D protein (p.Ala4835Asp). This variant is not present in population databases (gnomAD no frequency). This variant has not been reported in the literature in individuals affected with KMT2D-related conditions. Invitae Evidence Modeling of protein sequence and biophysical properties (such as structural, functional, and spatial information, amino acid conservation, physicochemical variation, residue mobility, and thermodynamic stability) indicates that this missense variant is not expected to disrupt KMT2D protein function with a negative predictive value of 95%. In summary, the available evidence is currently insufficient to determine the role of this variant in disease. Therefore, it has been classified as a Variant of Uncertain Significance.